The following is an entry in ClinVar:

NM_005632.3(CAPN15):c.2250C>T (p.Asp750=)

Gene: CAPN15 (calpain 15; plus strand). Cytogenetic location: 16p13.3.
Variant type: single nucleotide variant.
Coding change: c.2250C>T on transcript NM_005632.3 (MANE Select); coding-DNA position 2250, C replaced by T.
Protein change: p.Asp750=; no amino-acid change (aspartic acid 750 retained).
Molecular consequence: synonymous variant.
Genome position (GRCh38, 1-based): chr16:551,569, C>T. VCF-style: chr16-551569-C-T. GRCh37 (hg19) VCF-style: chr16-601569-C-T.
Identifiers: ClinVar variation 3043883 (VCV003043883.3), dbSNP rs147419136, ClinGen allele CA7778644.

ClinVar aggregate classification (germline): Likely benign. Review status: criteria provided, single submitter (1 of 4 stars). 2 submissions from 2 submitters: Likely benign (1). 1 of the submissions does not count toward it. Last evaluated 2024-09-12.

Conditions:
CAPN15-related disorder. Also called: CAPN15-related condition.

Allele frequency attached by ClinVar (database versions not stated): ExAC 0.00029; 1000 Genomes Project 30x 0.00047; gnomAD 0.00049; ESP Exome Variant Server 0.00054; 1000 Genomes Project 0.00060.
gnomAD v4.1: 392 of 1,611,470 alleles (0.024%); highest among the groups gnomAD compares: African/African-American, 0.084%; no homozygotes.

Submissions (2):

Blueprint Genetics
Classification: Likely benign. Last evaluated: 2024-09-12. Review status: criteria provided, single submitter. Criteria: ACMG Guidelines, 2015. Collection method: clinical testing. Allele origin: germline.

PreventionGenetics, part of Exact Sciences
Classification: Likely benign for CAPN15-related condition. Last evaluated: 2023-12-20. Review status: no assertion criteria provided. Collection method: clinical testing. Allele origin: germline. Not counted in ClinVar's aggregate classification.
Comment: This variant is classified as likely benign based on ACMG/AMP sequence variant interpretation guidelines (Richards et al. 2015 PMID: 25741868, with internal and published modifications).